The following is an entry in ClinVar:

ClinVar aggregate classification (germline): Conflicting classifications of pathogenicity. Review status: criteria provided, conflicting classifications (1 of 4 stars). 5 submissions from 5 submitters: Uncertain significance (3); Likely benign (1). 1 of the submissions does not count toward it. Last evaluated 2026-01-14.

Conditions:
ATM-related cancer predisposition. Also called: ATM-related cancer susceptibility. Identifiers: MedGen CN377759, MONDO:0700270.
Hereditary cancer-predisposing syndrome. Also called: Tumor predisposition; Neoplastic Syndromes, Hereditary; Hereditary Cancer Syndrome; Hereditary neoplastic syndrome. Identifiers: Orphanet 140162, MedGen C0027672, MeSH D009386, MONDO:0015356.
Ataxia-telangiectasia syndrome (AT). Also called: ATAXIA-TELANGIECTASIA, COMPLEMENTATION GROUP A; ATAXIA-TELANGIECTASIA, FRESNO VARIANT; Ataxia-telangiectasia; Ataxia-telangiectasia, complementation group D; AT, COMPLEMENTATION GROUP C; Ataxia-telangiectasia, complementation group E. Identifiers: Orphanet 100, MedGen C0004135, MONDO:0008840, OMIM 208900.

gnomAD v4.1: 1 of 1,614,058 alleles (0.000062%); highest among the groups gnomAD compares: African/African-American, 0.0013%; no homozygotes.

Submissions (5):

Labcorp Genetics (formerly Invitae), Labcorp
Classification: Uncertain significance for Ataxia-telangiectasia syndrome. Last evaluated: 2026-01-14. Review status: criteria provided, single submitter. Criteria: Invitae Variant Classification Sherloc (09022015). Collection method: clinical testing. Allele origin: germline.
Comment: This sequence change replaces glycine, which is neutral and non-polar, with glutamic acid, which is acidic and polar, at codon 2369 of the ATM protein (p.Gly2369Glu). This variant is not present in population databases (gnomAD no frequency). This variant has not been reported in the literature in individuals affected with ATM-related conditions. ClinVar contains an entry for this variant (Variation ID: 841776). Invitae Evidence Modeling of protein sequence and biophysical properties (such as structural, functional, and spatial information, amino acid conservation, physicochemical variation, residue mobility, and thermodynamic stability) indicates that this missense variant is not expected to disrupt ATM protein function with a negative predictive value of 95%. In summary, the available evidence is currently insufficient to determine the role of this variant in disease. Therefore, it has been classified as a Variant of Uncertain Significance.

Dasa
Classification: Uncertain significance for ATM-related cancer predisposition. Last evaluated: 2025-12-23. Review status: criteria provided, single submitter. Criteria: DASA Assertion Criteria. Collection method: clinical testing. Allele origin: germline.
Comment: NM_000051.4(ATM):c.7106G>A (p.Gly2369Glu) is a missense variant that results in the substitution of glycine with glutamic acid. This variant is rare in population databases. Computational prediction algorithms are consistent with a benign effect. The currently available literature and clinical evidence are not sufficient to establish a definitive association between this variant and the reported condition. Therefore, this variant is classified as a variant of uncertain significance.

Ambry Genetics
Classification: Likely benign for Hereditary cancer-predisposing syndrome. Last evaluated: 2025-12-04. Review status: criteria provided, single submitter. Criteria: Ambry Variant Classification Scheme 2023. Collection method: clinical testing. Allele origin: germline.

Color Diagnostics, LLC DBA Color Health
Classification: Uncertain significance for Hereditary cancer-predisposing syndrome. Last evaluated: 2023-12-05. Review status: criteria provided, single submitter. Criteria: ACMG Guidelines, 2015. Collection method: clinical testing. Allele origin: germline.
Comment: This missense variant replaces glycine with glutamic acid at codon 2369 of the ATM protein. Computational prediction tools and conservation analyses suggest that this variant may not impact the protein function. Computational splicing tools suggest that this variant may not impact RNA splicing. To our knowledge, functional assays have not been performed for this variant nor has this variant been reported in individuals affected with hereditary cancer in the literature. This variant has not been identified in the general population by the Genome Aggregation Database (gnomAD). Available evidence is insufficient to determine the role of this variant in disease conclusively. Therefore, this variant is classified as a Variant of Uncertain Significance.

Natera, Inc.
Classification: Uncertain significance for Ataxia-telangiectasia. Last evaluated: 2025-04-10. Review status: no assertion criteria provided. Collection method: clinical testing. Allele origin: germline. Not counted in ClinVar's aggregate classification.

Literature cited by the submitters: PubMed 40580951 (cited by Ambry Genetics).

NM_000051.4(ATM):c.7106G>A (p.Gly2369Glu)

Genes: ATM (ATM serine/threonine kinase; plus strand), C11orf65 (chromosome 11 open reading frame 65; minus strand). Cytogenetic location: 11q22.3.
Variant type: single nucleotide variant.
Coding change: c.7106G>A on transcript NM_000051.4 (MANE Select); coding-DNA position 7106, G replaced by A.
Protein change: p.Gly2369Glu; replaces glycine 2369 with glutamic acid.
Molecular consequence: missense variant. On other transcripts: intron variant (2).
Genome position (GRCh38, 1-based): chr11:108,329,037, G>A. VCF-style: chr11-108329037-G-A. GRCh37 (hg19) VCF-style: chr11-108199764-G-A.
Other names: c.7106G>A, p.Gly2369Glu (NM_001351834.2); c.641-19966C>T (NM_001330368.2); c.*38+6183C>T (NM_001351110.2); short protein forms G2369E.
Identifiers: ClinVar variation 841776 (VCV000841776.15), dbSNP rs2085974792, ClinGen allele CA382559408.